The following is an entry in ClinVar:

NM_006269.2(RP1):c.380G>A (p.Trp127Ter)

Gene: RP1 (RP1 axonemal microtubule associated; plus strand). Cytogenetic location: 8q12.1.
Variant type: single nucleotide variant.
Coding change: c.380G>A on transcript NM_006269.2 (MANE Select); coding-DNA position 380, G replaced by A.
Protein change: p.Trp127Ter; replaces tryptophan 127 with a stop codon.
Molecular consequence: nonsense.
Genome position (GRCh38, 1-based): chr8:54,621,346, G>A. VCF-style: chr8-54621346-G-A. GRCh37 (hg19) VCF-style: chr8-55533906-G-A.
Other names: c.380G>A, p.Trp127Ter (NM_001375654.1); short protein forms W127*.
Identifiers: ClinVar variation 3720823 (VCV003720823.2).

ClinVar aggregate classification (germline): Pathogenic (1 of 4 stars; one submission).

gnomAD v4.1: 4 of 1,611,752 alleles (0.00025%); highest among the groups gnomAD compares: East Asian, 0.0022%; no homozygotes.

Submission:

Labcorp Genetics (formerly Invitae), Labcorp
Classification: Pathogenic. Last evaluated: 2024-10-17. Review status: criteria provided, single submitter. Criteria: Invitae Variant Classification Sherloc (09022015). Collection method: clinical testing. Allele origin: germline.
Comment: This sequence change creates a premature translational stop signal (p.Trp127*) in the RP1 gene. It is expected to result in an absent or disrupted protein product. Loss-of-function variants in RP1 are known to be pathogenic (PMID: 11960024, 19933189). This variant is not present in population databases (gnomAD no frequency). This premature translational stop signal has been observed in individual(s) with autosomal recessive retinitis pigmentosa (PMID: 25356976). For these reasons, this variant has been classified as Pathogenic.

Literature cited by the submitters: PubMed 11960024; PubMed 19933189; PubMed 25356976.